The following is an entry in ClinVar:

NM_016013.4(NDUFAF1):c.699G>A (p.Thr233=)

Gene: NDUFAF1 (NADH:ubiquinone oxidoreductase complex assembly factor 1; minus strand). Cytogenetic location: 15q15.1.
Variant type: single nucleotide variant.
Coding change: c.699G>A on transcript NM_016013.4 (MANE Select); coding-DNA position 699, G replaced by A.
Protein change: p.Thr233=; no amino-acid change (threonine 233 retained).
Molecular consequence: synonymous variant. On other transcripts: non-coding transcript variant (3).
Genome position (GRCh38, 1-based): chr15:41,394,919, C>T on the plus strand (G>A on the coding strand, the complement: NDUFAF1 is on the minus strand). VCF-style: chr15-41394919-C-T. GRCh37 (hg19) VCF-style: chr15-41687117-C-T.
Other names: p.Thr233=; c.699G>A, p.Thr233= (NM_001437486.1, NM_001437487.1, NM_001437488.1 and 2 more transcripts).
Identifiers: ClinVar variation 4683964 (VCV004683964.1).

ClinVar aggregate classification (germline): Likely benign (1 of 4 stars; one submission).

gnomAD v4.1: 16 of 1,614,124 alleles (0.00099%); highest among the groups gnomAD compares: Middle Eastern, 0.016%; no homozygotes.

Submission:

Mayo Clinic Laboratories, Mayo Clinic
Classification: Likely benign. Last evaluated: 2025-05-07. Review status: criteria provided, single submitter. Criteria: ACMG Guidelines, 2015. Collection method: clinical testing. Allele origin: germline. Observed: 1 variant allele.
Comment: BP4, BP7